The following is an entry in ClinVar:

NM_001613.4(ACTA2):c.369+4_369+7del

Gene: ACTA2 (actin alpha 2, smooth muscle; minus strand). Cytogenetic location: 10q23.31.
Variant type: Microsatellite.
Coding change: c.369+4_369+7del on transcript NM_001613.4 (MANE Select); bases 4 to 7 of the intron after coding-DNA position 369, 4 bases deleted (AGTA; older notation c.369+4_369+7delAGTA).
Molecular consequence: splice donor variant. On other transcripts: intron variant (1).
Genome position (GRCh38, 1-based): chr10:88,943,790-88,943,793, TACT deleted on the plus strand (AGTA on the coding strand, the reverse complement: ACTA2 is on the minus strand); deleting any 4 consecutive bases within chr10:88,943,790-88,943,798 gives the same sequence; the c. name uses the placement nearest the transcript's 3' end. VCF-style (leftmost placement, unchanged base first): chr10-88943789-ATACT-A. GRCh37 (hg19) VCF-style: chr10-90703546-ATACT-A.
Other names: c.240+4_240+7del (NM_001406467.1, NM_001406468.1, NM_001406469.1); c.369+4_369+7del (NM_001320855.2, NM_001406462.1, NM_001406471.1 and 3 more transcripts); c.259-1924_259-1921del (NM_001406466.1).
Identifiers: ClinVar variation 1352891 (VCV001352891.10), dbSNP rs1845898977, ClinGen allele CA1926605744.

ClinVar aggregate classification (germline): Uncertain significance (1 of 4 stars; one submission).

Conditions:
Aortic aneurysm, familial thoracic 6 (AAT6). Also called: FAMILIAL THORACIC AORTIC ANEURYSM WITH LIVEDO RETICULARIS AND IRIS FLOCCULI. Identifiers: MedGen C2673186, MONDO:0012730, OMIM 611788.

Submission:

Labcorp Genetics (formerly Invitae), Labcorp
Classification: Uncertain significance for Aortic aneurysm, familial thoracic 6. Last evaluated: 2021-08-07. Review status: criteria provided, single submitter. Criteria: Invitae Variant Classification Sherloc (09022015). Collection method: clinical testing. Allele origin: germline.
Comment: In summary, the available evidence is currently insufficient to determine the role of this variant in disease. Therefore, it has been classified as a Variant of Uncertain Significance. Algorithms developed to predict the effect of sequence changes on RNA splicing suggest that this variant may disrupt the consensus splice site, but this prediction has not been confirmed by published transcriptional studies. This variant has not been reported in the literature in individuals with ACTA2-related conditions. This variant is not present in population databases (ExAC no frequency). This sequence change falls in intron 4 of the ACTA2 gene. It does not directly change the encoded amino acid sequence of the ACTA2 protein, but it affects a nucleotide within the consensus splice site of the intron.